The following is an entry in ClinVar:

ClinVar aggregate classification (germline): Conflicting classifications of pathogenicity. Review status: criteria provided, conflicting classifications (1 of 4 stars). 5 submissions from 5 submitters: Uncertain significance (3); Likely benign (2). Last evaluated 2026-01-12.

Conditions:
NLRP3-related disorder. Also called: NLRP3-Related Disorders; NLRP3-related condition.
Cryopyrin associated periodic syndrome (CAPS). Identifiers: Orphanet 208650, MedGen C2316212, MONDO:0016168.
Hearing loss, autosomal dominant 34, with or without inflammation. Also called: DEAFNESS, AUTOSOMAL DOMINANT 34, WITH OR WITHOUT INFLAMMATION. Identifiers: MedGen C4521680, MONDO:0033261, OMIM 617772.
Familial amyloid nephropathy with urticaria AND deafness (MWS). Also called: MUCKLE-WELLS SYNDROME; Urticaria, deafness and amyloidosis; CRYOPYRIN-ASSOCIATED PERIODIC SYNDROME 2; UDA SYNDROME; URTICARIA-DEAFNESS-AMYLOIDOSIS SYNDROME. Identifiers: Orphanet 575, MedGen C0268390, MONDO:0008633, OMIM 191900.
Chronic infantile neurological, cutaneous and articular syndrome (CINCA). Also called: CINCA syndrome; Prieur Griscelli syndrome; CRYOPYRIN-ASSOCIATED PERIODIC SYNDROME 3; CHRONIC NEUROLOGIC CUTANEOUS AND ARTICULAR SYNDROME. Identifiers: Orphanet 1451, MedGen C0409818, MONDO:0011776, OMIM 607115.
Keratitis fugax hereditaria. Also called: KERATOENDOTHELIITIS FUGAX HEREDITARIA. Identifiers: Orphanet 647815, MedGen C1835697, MONDO:0007849, OMIM 148200.
Familial cold autoinflammatory syndrome 1 (FCAS1). Also called: Familial cold inflammatory syndrome 1; CRYOPYRIN-ASSOCIATED PERIODIC SYNDROME 1. Identifiers: Orphanet 47045, MedGen C4551895, MONDO:0007349, OMIM 120100.

Allele frequency attached by ClinVar (database versions not stated): ExAC 0.00002; gnomAD exomes 0.00003; TOPMed 0.00017; ESP Exome Variant Server 0.00023; gnomAD 0.00025; 1000 Genomes Project 30x 0.00031; 1000 Genomes Project 0.00040.
gnomAD v4.1: 77 of 1,614,098 alleles (0.0048%); highest among the groups gnomAD compares: African/African-American, 0.092%; no homozygotes.

Submissions (5):

Labcorp Genetics (formerly Invitae), Labcorp
Classification: Likely benign for Cryopyrin associated periodic syndrome. Last evaluated: 2026-01-12. Review status: criteria provided, single submitter. Criteria: Invitae Variant Classification Sherloc (09022015). Collection method: clinical testing. Allele origin: germline.

PreventionGenetics, part of Exact Sciences
Classification: Likely benign for NLRP3-related condition. Last evaluated: 2025-06-12. Review status: criteria provided, single submitter. Criteria: ACMG Guidelines, 2015. Collection method: clinical testing. Allele origin: germline.
Comment: This variant is classified as likely benign based on ACMG/AMP sequence variant interpretation guidelines (Richards et al. 2015 PMID: 25741868, with internal and published modifications).

GeneDx
Classification: Uncertain significance. Last evaluated: 2024-01-29. Review status: criteria provided, single submitter. Criteria: GeneDx Variant Classification Process June 2021. Collection method: clinical testing. Allele origin: germline. Affected: yes.
Comment: Also known as p.(H213R); In silico analysis supports that this missense variant does not alter protein structure/function; This variant is associated with the following publications: (PMID: 32082075, 25979514)

Fulgent Genetics
Classification: Uncertain significance for Familial cold autoinflammatory syndrome 1; Keratitis fugax hereditaria; Familial amyloid nephropathy with urticaria AND deafness; Chronic infantile neurological, cutaneous and articular syndrome; Hearing loss, autosomal dominant 34, with or without inflammation. Last evaluated: 2022-05-12. Review status: criteria provided, single submitter. Criteria: ACMG Guidelines, 2015. Collection method: clinical testing. Allele origin: unknown.

CeGaT Center for Human Genetics Tuebingen
Classification: Uncertain significance. Last evaluated: 2021-02-01. Review status: criteria provided, single submitter. Criteria: CeGaT Center For Human Genetics Tuebingen Variant Classification Criteria Version 2. Collection method: clinical testing. Allele origin: germline. Affected: yes. Observed: 1 variant allele.

NM_001243133.2(NLRP3):c.638A>G (p.His213Arg)

Gene: NLRP3 (NLR family pyrin domain containing 3; plus strand). Cytogenetic location: 1q44.
Variant type: single nucleotide variant.
Coding change: c.638A>G on transcript NM_001243133.2 (MANE Select); coding-DNA position 638, A replaced by G.
Protein change: p.His213Arg; replaces histidine 213 with arginine.
Molecular consequence: missense variant.
Genome position (GRCh38, 1-based): chr1:247,424,087, A>G. VCF-style: chr1-247424087-A-G. GRCh37 (hg19) VCF-style: chr1-247587389-A-G.
Other names: c.644A>G, p.His215Arg (NM_004895.5); c.638A>G, p.His213Arg (NM_183395.3, NM_001079821.3, NM_001127461.3 and 1 more transcripts); short protein forms H215R, H213R.
Identifiers: ClinVar variation 449120 (VCV000449120.50), dbSNP rs150396172, ClinGen allele CA1494913.